The following is an entry in ClinVar:

NM_198253.3(TERT):c.1049T>G (p.Leu350Arg)

Gene: TERT (telomerase reverse transcriptase; minus strand). Cytogenetic location: 5p15.33.
Variant type: single nucleotide variant.
Coding change: c.1049T>G on transcript NM_198253.3 (MANE Select); coding-DNA position 1049, T replaced by G.
Protein change: p.Leu350Arg; replaces leucine 350 with arginine.
Molecular consequence: missense variant. On other transcripts: non-coding transcript variant (2).
Genome position (GRCh38, 1-based): chr5:1,293,837, A>C on the plus strand (T>G on the coding strand, the complement: TERT is on the minus strand). VCF-style: chr5-1293837-A-C. GRCh37 (hg19) VCF-style: chr5-1293952-A-C.
Other names: c.1049T>G, p.Leu350Arg (NM_001193376.3); short protein forms L350R.
Identifiers: ClinVar variation 4561470 (VCV004561470.1).

ClinVar aggregate classification (germline): Uncertain significance (1 of 4 stars; one submission).

Conditions:
Dyskeratosis congenita. Identifiers: Orphanet 1775, MedGen C0265965, MONDO:0015780.

gnomAD v4.1: 1 of 1,548,876 alleles (0.000065%); highest among the groups gnomAD compares: African/African-American, 0.0014%; no homozygotes.

Submission:

Ambry Genetics
Classification: Uncertain significance for Dyskeratosis congenita. Last evaluated: 2025-09-20. Review status: criteria provided, single submitter. Criteria: Ambry Variant Classification Scheme 2023. Collection method: clinical testing. Allele origin: germline.
Comment: The p.L350R variant (also known as c.1049T>G), located in coding exon 2 of the TERT gene, results from a T to G substitution at nucleotide position 1049. The leucine at codon 350 is replaced by arginine, an amino acid with dissimilar properties. This amino acid position is conserved. In addition, the in silico prediction for this alteration is inconclusive. Based on the available evidence, the clinical significance of this variant remains unclear.